The following is an entry in ClinVar:

NM_172095.4(CATSPER2):c.842C>T (p.Ser281Leu)

Genes: CATSPER2 (cation channel sperm associated 2; minus strand), LOC130056949 (ATAC-STARR-seq lymphoblastoid active region 9317; plus strand). Cytogenetic location: 15q15.3.
Variant type: single nucleotide variant.
Coding change: c.842C>T on transcript NM_172095.4 (MANE Select); coding-DNA position 842, C replaced by T.
Protein change: p.Ser281Leu; replaces serine 281 with leucine.
Molecular consequence: missense variant. On other transcripts: non-coding transcript variant (2).
Genome position (GRCh38, 1-based): chr15:43,638,904, G>A on the plus strand (C>T on the coding strand, the complement: CATSPER2 is on the minus strand). VCF-style: chr15-43638904-G-A. GRCh37 (hg19) VCF-style: chr15-43931102-G-A.
Other names: c.842C>T, p.Ser281Leu (NM_001282309.3); c.860C>T, p.Ser287Leu (NM_001282310.2); short protein forms S281L, S287L.
Identifiers: ClinVar variation 4979489 (VCV004979489.1).

ClinVar aggregate classification (germline): Uncertain significance (1 of 4 stars; one submission).

Conditions:
CATSPER2-related condition.

gnomAD v4.1: 92 of 1,612,308 alleles (0.0057%); highest among the groups gnomAD compares: African/African-American, 0.098%; 2 homozygotes.

Submission:

PreventionGenetics, part of Exact Sciences
Classification: Uncertain significance for CATSPER2-related condition. Last evaluated: 2026-03-09. Review status: criteria provided, single submitter. Criteria: ACMG Guidelines, 2015. Collection method: clinical testing. Allele origin: germline.
Comment: The CATSPER2 c.842C>T variant is predicted to result in the amino acid substitution p.Ser281Leu. To our knowledge, this variant has not been reported in the literature. This variant is reported in 0.14% of alleles in individuals of African descent in gnomAD. Although we suspect that this variant may be benign, at this time, the clinical significance of this variant is uncertain due to the absence of conclusive functional and genetic evidence.